The following is an entry in ClinVar:

ClinVar aggregate classification (germline): Pathogenic/Likely pathogenic. Review status: criteria provided, multiple submitters, no conflicts (2 of 4 stars). 4 submissions from 4 submitters: Pathogenic (2); Likely pathogenic (2). Last evaluated 2026-09-10.

Conditions:
Alport syndrome 3b, autosomal recessive. Identifiers: MedGen C5882699, MONDO:0957811, OMIM 620536.
Hematuria, benign familial, 2 (BFH2). Identifiers: MedGen C5830421, MONDO:0958186, OMIM 620320.
Autosomal dominant Alport syndrome (ATS3A). Also called: ALPORT SYNDROME 3A, AUTOSOMAL DOMINANT; Alport syndrome dominant type; Renal failure and sensorineural hearing loss. Identifiers: Orphanet 63, Orphanet 88918, MedGen C5882663, MONDO:0007086, OMIM 104200.
COL4A3-related disorder. Also called: COL4A3-related condition; COL4A3-Related Disorders.

Allele frequency attached by ClinVar (database versions not stated): gnomAD exomes below 0.00001.

Submissions (4):

PreventionGenetics, part of Exact Sciences
Classification: Pathogenic for COL4A3-related condition. Last evaluated: 2026-09-10. Review status: criteria provided, single submitter. Criteria: ACMG Guidelines, 2015. Collection method: clinical testing. Allele origin: germline.
Comment: The COL4A3 c.1933delA variant is predicted to result in a frameshift and premature protein termination (p.Arg645Glyfs*102). To our knowledge, this variant has not been reported in the literature or in a large population database (gnomAD), indicating this variant is rare. Frameshift variants in COL4A3 are expected to be pathogenic. This variant is interpreted as pathogenic for both autosomal dominant and recessive COL4A3-related Alport syndrome spectrum disorders.

Labcorp Genetics (formerly Invitae), Labcorp
Classification: Pathogenic. Last evaluated: 2024-10-21. Review status: criteria provided, single submitter. Criteria: Invitae Variant Classification Sherloc (09022015). Collection method: clinical testing. Allele origin: germline.
Comment: This sequence change creates a premature translational stop signal (p.Arg645Glyfs*102) in the COL4A3 gene. It is expected to result in an absent or disrupted protein product. Loss-of-function variants in COL4A3 are known to be pathogenic (PMID: 8956999, 24854265, 26809805, 27281700). This variant is not present in population databases (gnomAD no frequency). This variant has not been reported in the literature in individuals affected with COL4A3-related conditions. ClinVar contains an entry for this variant (Variation ID: 585517). For these reasons, this variant has been classified as Pathogenic.

Fulgent Genetics
Classification: Likely pathogenic for Autosomal dominant Alport syndrome; Hematuria, benign familial, 2; Alport syndrome 3b, autosomal recessive. Last evaluated: 2024-03-08. Review status: criteria provided, single submitter. Criteria: ACMG Guidelines, 2015. Collection method: clinical testing. Allele origin: germline.

Athena Diagnostics
Classification: Likely pathogenic. Last evaluated: 2018-05-31. Review status: criteria provided, single submitter. Criteria: Athena Diagnostics Criteria. Collection method: clinical testing. Allele origin: germline.

Literature cited by the submitters: PubMed 8956999 (cited by Labcorp Genetics (formerly Invitae), Labcorp); PubMed 24854265 (cited by Labcorp Genetics (formerly Invitae), Labcorp); PubMed 26809805 (cited by Labcorp Genetics (formerly Invitae), Labcorp); PubMed 27281700 (cited by Labcorp Genetics (formerly Invitae), Labcorp).

NM_000091.5(COL4A3):c.1933del (p.Arg645fs)

Genes: COL4A3 (collagen type IV alpha 3 chain; plus strand), MFF-DT (MFF divergent transcript; minus strand). Cytogenetic location: 2q36.3.
Variant type: Deletion.
Coding change: c.1933del on transcript NM_000091.5 (MANE Select); coding-DNA position 1933, one base deleted (A; older notation c.1933delA).
Protein change: p.Arg645fs; shifts the reading frame from arginine 645.
Molecular consequence: frameshift variant.
Genome position (GRCh38, 1-based): chr2:227,276,390, A deleted. VCF-style (leftmost placement, unchanged base first): chr2-227276389-TA-T. GRCh37 (hg19) VCF-style: chr2-228141105-TA-T.
Other names: c.1933delA (NM_000091.4); short protein forms R645fs.
Identifiers: ClinVar variation 585517 (VCV000585517.7), dbSNP rs1559890140, ClinGen allele CA891842464.